The following is an entry in ClinVar:

NM_004519.4(KCNQ3):c.2383G>A (p.Val795Ile)

Gene: KCNQ3 (potassium voltage-gated channel subfamily Q member 3; minus strand). Cytogenetic location: 8q24.22.
Variant type: single nucleotide variant.
Coding change: c.2383G>A on transcript NM_004519.4 (MANE Select); coding-DNA position 2383, G replaced by A.
Protein change: p.Val795Ile; replaces valine 795 with isoleucine.
Molecular consequence: missense variant.
Genome position (GRCh38, 1-based): chr8:132,129,498, C>T on the plus strand (G>A on the coding strand, the complement: KCNQ3 is on the minus strand). VCF-style: chr8-132129498-C-T. GRCh37 (hg19) VCF-style: chr8-133141745-C-T.
Other names: p.V795I:GTC>ATC; c.2023G>A, p.Val675Ile (NM_001204824.2); short protein forms V795I, V675I.
Identifiers: ClinVar variation 205993 (VCV000205993.9), dbSNP rs764544537, ClinGen allele CA315652.

ClinVar aggregate classification (germline): Uncertain significance. Review status: criteria provided, multiple submitters, no conflicts (2 of 4 stars). 2 submissions from 2 submitters: Uncertain significance (2). Last evaluated 2025-07-15.

Conditions:
Benign neonatal seizures. Also called: Convulsions benign familial neonatal dominant form; Autosomal dominant form of benign neonatal seizures; Benign familial neonatal epilepsy; Benign neonatal familial convulsions; Benign familial neonatal seizures. Identifiers: Orphanet 1949, MedGen C0220669, MONDO:0016027.

Allele frequency attached by ClinVar (database versions not stated): TOPMed 0.00001; gnomAD exomes 0.00002; ExAC 0.00002.
gnomAD v4.1: 18 of 1,614,190 alleles (0.0011%); highest among the groups gnomAD compares: South Asian, 0.016%; no homozygotes.

Submissions (2):

Labcorp Genetics (formerly Invitae), Labcorp
Classification: Uncertain significance for Benign neonatal seizures. Last evaluated: 2025-07-15. Review status: criteria provided, single submitter. Criteria: Invitae Variant Classification Sherloc (09022015). Collection method: clinical testing. Allele origin: germline.
Comment: This sequence change replaces valine, which is neutral and non-polar, with isoleucine, which is neutral and non-polar, at codon 795 of the KCNQ3 protein (p.Val795Ile). This variant is present in population databases (rs764544537, gnomAD 0.02%). This variant has not been reported in the literature in individuals affected with KCNQ3-related conditions. ClinVar contains an entry for this variant (Variation ID: 205993). Invitae Evidence Modeling of protein sequence and biophysical properties (such as structural, functional, and spatial information, amino acid conservation, physicochemical variation, residue mobility, and thermodynamic stability) has been performed for this missense variant. However, the output from this modeling did not meet the statistical confidence thresholds required to predict the impact of this variant on KCNQ3 protein function. In summary, the available evidence is currently insufficient to determine the role of this variant in disease. Therefore, it has been classified as a Variant of Uncertain Significance.

GeneDx
Classification: Uncertain significance. Last evaluated: 2017-04-10. Review status: criteria provided, single submitter. Criteria: GeneDx Variant Classification (06012015). Collection method: clinical testing. Allele origin: germline. Affected: yes.
Comment: p.Val795Ile (GTC>ATC): c.2383 G>A in exon 15 of the KCNQ3 gene (NM_004519.2) The Val795Ile missense change has not been published as a mutation, nor has it been reported as a benign polymorphism to our knowledge. It was not observed in approximately 6,500 individuals of European and African American ancestry in the NHLBI Exome Sequencing Project, indicating it is not a common benign variant in these populations. The amino acid substitution is conservative as both Valine and Isoleucine are uncharged, non-polar amino acid residues. However, Val795Ile alters a conserved position in the C-terminal region of the KCNQ3 protein and in silico analysis is inconsistent with regard to the effect this variant may have on the protein structure/function. Therefore, based on the currently available information, it is unclear whether Val795Ile is a disease-causing mutation or a rare benign variant. The variant is found in EPILEPSY panel(s).